The following is an entry in ClinVar:

ClinVar aggregate classification (germline): Uncertain significance. Review status: criteria provided, multiple submitters, no conflicts (2 of 4 stars). 2 submissions from 2 submitters: Uncertain significance (2). Last evaluated 2022-11-04.

Conditions:
Sotos syndrome (SOTOS). Also called: Sotos' syndrome; Distinctive facial appearance, overgrowth in childhood, and learning disabilities or delayed development; CHROMOSOME 5q35 DELETION SYNDROME; CEREBRAL GIGANTISM; SOTOS SYNDROME 1. Identifiers: Orphanet 821, MedGen C0175695, MONDO:0019349, OMIM 117550.

Submissions (2):

Dr. med. U. Finckh, Human Genetics, Eurofins MVZ
Classification: Uncertain significance for Sotos syndrome. Last evaluated: 2022-11-04. Review status: criteria provided, single submitter. Criteria: ACMG Guidelines, 2015. Collection method: clinical testing. Allele origin: germline. Observed: 2 heterozygotes. Clinical features observed: tall stature.

Labcorp Genetics (formerly Invitae), Labcorp
Classification: Uncertain significance. Last evaluated: 2022-10-07. Review status: criteria provided, single submitter. Criteria: Invitae Variant Classification Sherloc (09022015). Collection method: clinical testing. Allele origin: germline.
Comment: In summary, the available evidence is currently insufficient to determine the role of this variant in disease. Therefore, it has been classified as a Variant of Uncertain Significance. Advanced modeling of protein sequence and biophysical properties (such as structural, functional, and spatial information, amino acid conservation, physicochemical variation, residue mobility, and thermodynamic stability) has been performed at Invitae for this missense variant, however the output from this modeling did not meet the statistical confidence thresholds required to predict the impact of this variant on NSD1 protein function. This variant has not been reported in the literature in individuals affected with NSD1-related conditions. This variant is not present in population databases (gnomAD no frequency). This sequence change replaces isoleucine, which is neutral and non-polar, with methionine, which is neutral and non-polar, at codon 2218 of the NSD1 protein (p.Ile2218Met).

NM_022455.5(NSD1):c.6654C>G (p.Ile2218Met)

Gene: NSD1 (nuclear receptor binding SET domain protein 1; plus strand). Cytogenetic location: 5q35.3.
Variant type: single nucleotide variant.
Coding change: c.6654C>G on transcript NM_022455.5 (MANE Select); coding-DNA position 6654, C replaced by G.
Protein change: p.Ile2218Met; replaces isoleucine 2218 with methionine.
Molecular consequence: missense variant.
Genome position (GRCh38, 1-based): chr5:177,294,022, C>G. VCF-style: chr5-177294022-C-G. GRCh37 (hg19) VCF-style: chr5-176721023-C-G.
Other names: c.5781C>G, p.Ile1927Met (NM_001409308.1, NM_172349.5, NM_001365684.2); c.5532C>G, p.Ile1844Met (NM_001409309.1); c.6654C>G, p.Ile2218Met (NM_001409301.1, NM_001409302.1, NM_001409303.1); c.6234C>G, p.Ile2078Met (NM_001409304.1); c.5901C>G, p.Ile1967Met (NM_001409305.1); c.5892C>G, p.Ile1964Met (NM_001409306.1, NM_001409307.1); short protein forms I1844M, I1927M, I1949M, I1964M, I1967M, I2078M, I2218M.
Identifiers: ClinVar variation 1721112 (VCV001721112.7), dbSNP rs2127279640, ClinGen allele CA362324676.